The following is an entry in ClinVar:

NM_001614.5(ACTG1):c.76G>A (p.Ala26Thr)

Genes: ACTG1 (actin gamma 1; minus strand), LOC130061940 (ATAC-STARR-seq lymphoblastoid active region 12964; plus strand). Cytogenetic location: 17q25.3.
Variant type: single nucleotide variant.
Coding change: c.76G>A on transcript NM_001614.5 (MANE Select); coding-DNA position 76, G replaced by A.
Protein change: p.Ala26Thr; replaces alanine 26 with threonine.
Molecular consequence: missense variant. On other transcripts: non-coding transcript variant (1).
Genome position (GRCh38, 1-based): chr17:81,512,279, C>T on the plus strand (G>A on the coding strand, the complement: ACTG1 is on the minus strand). VCF-style: chr17-81512279-C-T. GRCh37 (hg19) VCF-style: chr17-79479305-C-T.
Other names: c.76G>A, p.Ala26Thr (NM_001199954.3); short protein forms A26T.
Identifiers: ClinVar variation 4883447 (VCV004883447.2).
Genomic context (GRCh38, chr17:81,512,279, plus strand): 5'-GCCATCCACTCACCTGGTGTCTGGGGCGCCCGACGATGGAAGGAAACACGGCTCGGGGAG[C>T]GTCGTCCCCAGCAAAACCAGCTTTGCACATGCCGGAGCCATTGTCAATGACCAGCGCGGC-3'
Protein context (NP_001605.1, residues 16-36): MCKAGFAGDD[Ala26Thr]PRAVFPSIVG

ClinVar aggregate classification (germline): Uncertain significance (1 of 4 stars; one submission).

Submission:

Dasa
Classification: Uncertain significance. Last evaluated: 2025-08-07. Review status: criteria provided, single submitter. Criteria: DASA Assertion Criteria. Collection method: clinical testing. Allele origin: germline.
Comment: NM_001614.5(ACTG1):c.76G>A (p.Ala26Thr) is a missense variant that results in the substitution of alanine with threonine. This variant is rare in population databases. The currently available literature and clinical evidence are not sufficient to establish a definitive association between this variant and the reported condition. Therefore, this variant is classified as a variant of uncertain significance.